The following is an entry in ClinVar:

ClinVar aggregate classification (germline): Uncertain significance. Review status: criteria provided, multiple submitters, no conflicts (2 of 4 stars). 2 submissions from 2 submitters: Uncertain significance (2). Last evaluated 2025-09-08.

Conditions:
Inborn genetic diseases. Identifiers: MedGen C0950123, MeSH D030342.

Allele frequency attached by ClinVar (database versions not stated): gnomAD 0.00001; TOPMed 0.00002; ExAC 0.00003; gnomAD exomes 0.00003 and 0.00004.
gnomAD v4.1: 56 of 1,614,014 alleles (0.0035%); highest among the groups gnomAD compares: Middle Eastern, 0.033%; no homozygotes.

Submissions (2):

Labcorp Genetics (formerly Invitae), Labcorp
Classification: Uncertain significance. Last evaluated: 2025-09-08. Review status: criteria provided, single submitter. Criteria: Invitae Variant Classification Sherloc (09022015). Collection method: clinical testing. Allele origin: germline.
Comment: This sequence change replaces aspartic acid, which is acidic and polar, with asparagine, which is neutral and polar, at codon 349 of the TUBGCP4 protein (p.Asp349Asn). This variant is present in population databases (rs200386360, gnomAD 0.008%). This variant has not been reported in the literature in individuals affected with TUBGCP4-related conditions. ClinVar contains an entry for this variant (Variation ID: 969607). Invitae Evidence Modeling of protein sequence and biophysical properties (such as structural, functional, and spatial information, amino acid conservation, physicochemical variation, residue mobility, and thermodynamic stability) indicates that this missense variant is not expected to disrupt TUBGCP4 protein function with a negative predictive value of 80%. In summary, the available evidence is currently insufficient to determine the role of this variant in disease. Therefore, it has been classified as a Variant of Uncertain Significance.

Ambry Genetics
Classification: Uncertain significance for Inborn genetic diseases. Last evaluated: 2025-02-05. Review status: criteria provided, single submitter. Criteria: Ambry Variant Classification Scheme 2023. Collection method: clinical testing. Allele origin: germline.

NM_014444.5(TUBGCP4):c.1045G>A (p.Asp349Asn)

Gene: TUBGCP4 (tubulin gamma complex component 4; plus strand). Cytogenetic location: 15q15.3.
Variant type: single nucleotide variant.
Coding change: c.1045G>A on transcript NM_014444.5 (MANE Select); coding-DNA position 1045, G replaced by A.
Protein change: p.Asp349Asn; replaces aspartic acid 349 with asparagine.
Molecular consequence: missense variant.
Genome position (GRCh38, 1-based): chr15:43,395,137, G>A. VCF-style: chr15-43395137-G-A. GRCh37 (hg19) VCF-style: chr15-43687335-G-A.
Other names: c.1045G>A (NM_014444.2); c.1045G>A, p.Asp349Asn (NM_001286414.3); short protein forms D349N.
Identifiers: ClinVar variation 969607 (VCV000969607.7), dbSNP rs200386360, ClinGen allele CA7523976.